The following is an entry in ClinVar:

NM_000540.3(RYR1):c.13808G>A (p.Gly4603Asp)

Gene: RYR1 (ryanodine receptor 1; plus strand). Cytogenetic location: 19q13.2.
Variant type: single nucleotide variant.
Coding change: c.13808G>A on transcript NM_000540.3 (MANE Select); coding-DNA position 13808, G replaced by A.
Protein change: p.Gly4603Asp; replaces glycine 4603 with aspartic acid.
Molecular consequence: missense variant.
Genome position (GRCh38, 1-based): chr19:38,572,080, G>A. VCF-style: chr19-38572080-G-A. GRCh37 (hg19) VCF-style: chr19-39062720-G-A.
Other names: c.13808G>A (NM_000540.2); c.13793G>A, p.Gly4598Asp (NM_001042723.2); short protein forms G4603D, G4598D.
Identifiers: ClinVar variation 1379003 (VCV001379003.7), dbSNP rs747880466, ClinGen allele CA060540.
Genomic context (GRCh38, chr19:38,572,080, plus strand): 5'-TCTCAGACTCTCCACCAGGGGAGGACGACATGGAAGGCTCAGCTGCTGGGGATGTGTCAG[G>A]TGCAGGCTCTGGTGGCAGCTCTGGCTGGGGCTTGGGGGCCGGAGAGGAGGCAGAGGGCGA-3'
Protein context (NP_000531.2, residues 4593-4613): MEGSAAGDVS[Gly4603Asp]AGSGGSSGWG

ClinVar aggregate classification (germline): Uncertain significance. Review status: criteria provided, multiple submitters, no conflicts (2 of 4 stars). 4 submissions from 4 submitters: Uncertain significance (4). Last evaluated 2025-07-07.

Conditions:
Inborn genetic diseases. Identifiers: MedGen C0950123, MeSH D030342.
Malignant hyperthermia, susceptibility to, 1 (MHS1). Also called: RYR1-Related Malignant Hyperthermia Susceptibility; Anesthesia related hyperthermia; Malignant hyperpyrexia; Fulminating hyperpyrexia; Pharmacogenic myopathy; Malignant hyperthermia suceptibility 1. Identifiers: Orphanet 423, MedGen C2930980, MONDO:0007783, OMIM 145600.
RYR1-related disorder. Also called: RYR1-related disorders; RYR1-related condition. Identifiers: MedGen CN239331.

Allele frequency attached by ClinVar (database versions not stated): gnomAD exomes below 0.00001; ExAC 0.00001.
gnomAD v4.1: 5 of 1,614,180 alleles (0.00031%); highest among the groups gnomAD compares: Non-Finnish European, 0.00042%; no homozygotes.

Submissions (4):

Color Diagnostics, LLC DBA Color Health
Classification: Uncertain significance for Malignant hyperthermia, susceptibility to, 1. Last evaluated: 2025-07-07. Review status: criteria provided, single submitter. Criteria: ACMG Guidelines, 2015. Collection method: clinical testing. Allele origin: germline.
Comment: This missense variant replaces glycine with aspartic acid at codon 4603 of the RYR1 protein. Computational prediction is inconclusive regarding the impact of this variant on protein structure and function. To our knowledge, functional studies have not been reported for this variant. This variant has not been reported in individuals affected with RYR1-related disorders in the literature. This variant has been identified in 1/251424 chromosomes in the general population by the Genome Aggregation Database (gnomAD). The available evidence is insufficient to determine the role of this variant in disease conclusively. Therefore, this variant is classified as a Variant of Uncertain Significance.

Ambry Genetics
Classification: Uncertain significance for Inborn genetic diseases. Last evaluated: 2025-05-28. Review status: criteria provided, single submitter. Criteria: Ambry Variant Classification Scheme 2023. Collection method: clinical testing. Allele origin: germline.

Labcorp Genetics (formerly Invitae), Labcorp
Classification: Uncertain significance for RYR1-related disorder. Last evaluated: 2024-10-29. Review status: criteria provided, single submitter. Criteria: Invitae Variant Classification Sherloc (09022015). Collection method: clinical testing. Allele origin: germline.
Comment: This sequence change replaces glycine, which is neutral and non-polar, with aspartic acid, which is acidic and polar, at codon 4603 of the RYR1 protein (p.Gly4603Asp). This variant is present in population databases (rs747880466, gnomAD 0.0009%). This variant has not been reported in the literature in individuals affected with RYR1-related conditions. ClinVar contains an entry for this variant (Variation ID: 1379003). Invitae Evidence Modeling of protein sequence and biophysical properties (such as structural, functional, and spatial information, amino acid conservation, physicochemical variation, residue mobility, and thermodynamic stability) indicates that this missense variant is not expected to disrupt RYR1 protein function with a negative predictive value of 95%. In summary, the available evidence is currently insufficient to determine the role of this variant in disease. Therefore, it has been classified as a Variant of Uncertain Significance.

All of Us Research Program, National Institutes of Health
Classification: Uncertain significance for Malignant hyperthermia, susceptibility to, 1. Last evaluated: 2023-03-04. Review status: criteria provided, single submitter. Criteria: ACMG Guidelines, 2015. Collection method: clinical testing. Allele origin: germline. Inheritance: Autosomal dominant inheritance. Observed: 1 variant allele, 1 heterozygote.
Comment: This study involves interpretation of variants in research participants for the purpose of population health screening. Participant phenotype was not available at the time of variant classification. Additional details can be found in publication PMID: 35346344, PMCID: PMC8962531